The following is an entry in ClinVar:

NM_030632.3(ASXL3):c.82A>G (p.Met28Val)

Gene: ASXL3 (ASXL transcriptional regulator 3; plus strand). Cytogenetic location: 18q12.1.
Variant type: single nucleotide variant.
Coding change: c.82A>G on transcript NM_030632.3 (MANE Select); coding-DNA position 82, A replaced by G.
Protein change: p.Met28Val; replaces methionine 28 with valine.
Molecular consequence: missense variant.
Genome position (GRCh38, 1-based): chr18:33,607,621, A>G. VCF-style: chr18-33607621-A-G. GRCh37 (hg19) VCF-style: chr18-31187585-A-G.
Other names: short protein forms M28V.
Identifiers: ClinVar variation 4755946 (VCV004755946.1).

ClinVar aggregate classification (germline): Uncertain significance (1 of 4 stars; one submission).

gnomAD v4.1: 1 of 1,590,770 alleles (0.000063%); highest among the groups gnomAD compares: South Asian, 0.0011%; no homozygotes.

Submission:

GeneDx
Classification: Uncertain significance. Last evaluated: 2025-08-06. Review status: criteria provided, single submitter. Criteria: GeneDx Variant Classification Process June 2021. Collection method: clinical testing. Allele origin: germline. Affected: yes.
Comment: Not observed at significant frequency in large population cohorts (gnomAD); In silico analysis supports that this missense variant has a deleterious effect on protein structure/function; Has not been previously published as pathogenic or benign to our knowledge